The following is an entry in ClinVar:

ClinVar aggregate classification (germline): Uncertain significance (1 of 4 stars; one submission).

Conditions:
Neurofibromatosis, type 2 (SWNV). Also called: BILATERAL ACOUSTIC NEUROFIBROMATOSIS; NF2-Related Schwannomatosis; SCHWANNOMATOSIS, VESTIBULAR. Identifiers: Orphanet 637, MedGen C0027832, MONDO:0007039, OMIM 101000. Disease mechanism: loss of function.

Submission:

Labcorp Genetics (formerly Invitae), Labcorp
Classification: Uncertain significance for Neurofibromatosis, type 2. Last evaluated: 2022-04-07. Review status: criteria provided, single submitter. Criteria: Invitae Variant Classification Sherloc (09022015). Collection method: clinical testing. Allele origin: germline.
Comment: This variant results in a copy number gain of the genomic region encompassing exon(s) 2-16 of the NF2 gene. This region includes the termination codon of the gene. This copy number gain extends beyond the assayed region for this gene and therefore may encompass additional genes. As the precise location of this event is unknown, it may be in tandem or it may be located elsewhere in the genome. This variant has not been reported in the literature in individuals affected with NF2-related conditions. Experimental studies and prediction algorithms are not available or were not evaluated, and the functional significance of this variant is currently unknown. In summary, the available evidence is currently insufficient to determine the role of this variant in disease. Therefore, it has been classified as a Variant of Uncertain Significance.

NC_000022.10:g.(?_30032730)_(30090791_?)dup

Gene: NF2 (NF2, moesin-ezrin-radixin like (MERLIN) tumor suppressor; plus strand). Cytogenetic location: 22q12.2.
Variant type: Duplication.
Identifiers: ClinVar variation 1372639 (VCV001372639.8).